The following is an entry in ClinVar:

NM_020203.6(MEPE):c.122A>T (p.Asn41Ile)

Genes: MEPE (matrix extracellular phosphoglycoprotein; plus strand), MEPE-AS1 (MEPE and IBSP antisense RNA 1; minus strand). Cytogenetic location: 4q22.1.
Variant type: single nucleotide variant.
Coding change: c.122A>T on transcript NM_020203.6 (MANE Select); coding-DNA position 122, A replaced by T.
Protein change: p.Asn41Ile; replaces asparagine 41 with isoleucine.
Molecular consequence: missense variant. On other transcripts: 5 prime UTR variant (3).
Genome position (GRCh38, 1-based): chr4:87,844,990, A>T. VCF-style: chr4-87844990-A-T. GRCh37 (hg19) VCF-style: chr4-88766142-A-T.
Other names: c.122A>T, p.Asn41Ile (NM_001184694.3); c.-218A>T (NM_001184695.4, NM_001184696.2, NM_001184697.2); c.215A>T, p.Asn72Ile (NM_001291183.2); short protein forms N41I, N72I.
Identifiers: ClinVar variation 3042443 (VCV003042443.2), dbSNP rs138665285, ClinGen allele CA3002609.

ClinVar aggregate classification (germline): Benign (0 of 4 stars; one submission).

Conditions:
MEPE-related disorder. Also called: MEPE-related condition.

Allele frequency attached by ClinVar (database versions not stated): gnomAD exomes 0.00038; ESP Exome Variant Server 0.00062; TOPMed 0.00082; gnomAD 0.00093; ExAC 0.00132; 1000 Genomes Project 0.00359; 1000 Genomes Project 30x 0.00375.
gnomAD v4.1: 685 of 1,544,798 alleles (0.044%); highest among the groups gnomAD compares: South Asian, 0.53%; 6 homozygotes.

Submission:

PreventionGenetics, part of Exact Sciences
Classification: Benign for MEPE-related condition. Last evaluated: 2020-01-07. Review status: no assertion criteria provided. Collection method: clinical testing. Allele origin: germline.
Comment: This variant is classified as benign based on ACMG/AMP sequence variant interpretation guidelines (Richards et al. 2015 PMID: 25741868, with internal and published modifications).